The following is an entry in ClinVar:

NM_000169.3(GLA):c.281G>T (p.Cys94Phe)

Genes: GLA (galactosidase alpha; minus strand), RPL36A-HNRNPH2 (RPL36A-HNRNPH2 readthrough; plus strand). Cytogenetic location: Xq22.1.
Variant type: single nucleotide variant.
Coding change: c.281G>T on transcript NM_000169.3 (MANE Select); coding-DNA position 281, G replaced by T.
Protein change: p.Cys94Phe; replaces cysteine 94 with phenylalanine.
Molecular consequence: missense variant. On other transcripts: non-coding transcript variant (3), intron variant (2).
Genome position (GRCh38, 1-based): chrX:101,403,899, C>A on the plus strand (G>T on the coding strand, the complement: GLA is on the minus strand). VCF-style: chrX-101403899-C-A. GRCh37 (hg19) VCF-style: chrX-100658887-C-A.
Other names: c.404G>T, p.Cys135Phe (NM_001406747.1, NM_001406749.1); c.281G>T, p.Cys94Phe (NM_001406748.1); c.301-8037C>A (NM_001199973.2); c.178-8037C>A (NM_001199974.2); short protein forms C94F, C135F.
Identifiers: ClinVar variation 933191 (VCV000933191.12), dbSNP rs113173389, ClinGen allele CA413933700.

ClinVar aggregate classification (germline): Likely pathogenic. Review status: criteria provided, multiple submitters, no conflicts (2 of 4 stars). 3 submissions from 3 submitters: Likely pathogenic (3). Last evaluated 2026-09-08.

Conditions:
Fabry disease. Also called: Fabry's disease; ANDERSON-FABRY DISEASE; CERAMIDE TRIHEXOSIDASE DEFICIENCY; Angiokeratoma corporis diffusum; GLA DEFICIENCY; HEREDITARY DYSTOPIC LIPIDOSIS. Identifiers: Orphanet 324, MedGen C0002986, MONDO:0010526, OMIM 301500, HP:0001071. Disease mechanism: loss of function, Fabry disease is due to inactivating mutations in the X-linked GLA gene resulting in deficiency of the enzyme Alpha Galactosidase-A..

Submissions (3):

Genomenon, Inc
Classification: Likely pathogenic for Fabry disease. Last evaluated: 2026-09-08. Review status: criteria provided, single submitter. Criteria: Genomenon Sequence Variant Interpretation Standards - Updated. Collection method: curation. Allele origin: germline. Affected: yes.
Comment: GLA p.Cys94Phe (c.281G>T) is a missense variant that changes the amino acid at codon 94 from Cysteine to Phenylalanine. This variant has been observed in at least one proband with clinical features consistent with Fabry disease (PMID:32699723). Functional or patient cell studies have been reported (PMID:32699723). This variant is located in a mutational hotspot and/or important functional domain. It is absent or not present at a significant frequency in gnomAD. In silico models predict that this variant is possibly or probably damaging. In conclusion, we classify GLA p.Cys94Phe (c.281G>T) as a likely pathogenic variant.

Labcorp Genetics (formerly Invitae), Labcorp
Classification: Likely pathogenic for Fabry disease. Last evaluated: 2024-02-23. Review status: criteria provided, single submitter. Criteria: Invitae Variant Classification Sherloc (09022015). Collection method: clinical testing. Allele origin: germline.
Comment: This sequence change replaces cysteine, which is neutral and slightly polar, with phenylalanine, which is neutral and non-polar, at codon 94 of the GLA protein (p.Cys94Phe). This variant is not present in population databases (gnomAD no frequency). This missense change has been observed in individual(s) with Fabry disease (PMID: 27531472, 32699723). ClinVar contains an entry for this variant (Variation ID: 933191). Advanced modeling of protein sequence and biophysical properties (such as structural, functional, and spatial information, amino acid conservation, physicochemical variation, residue mobility, and thermodynamic stability) performed at Invitae indicates that this missense variant is expected to disrupt GLA protein function with a positive predictive value of 80%. This variant disrupts the p.Cys94 amino acid residue in GLA. Other variant(s) that disrupt this residue have been observed in individuals with GLA-related conditions (PMID: 21598360, 26415523, 31321922), which suggests that this may be a clinically significant amino acid residue. In summary, the currently available evidence indicates that the variant is pathogenic, but additional data are needed to prove that conclusively. Therefore, this variant has been classified as Likely Pathogenic.

Women's Health and Genetics/Laboratory Corporation of America, LabCorp
Classification: Likely pathogenic for Fabry disease. Last evaluated: 2021-02-04. Review status: criteria provided, single submitter. Criteria: LabCorp Variant Classification Summary - May 2015. Collection method: clinical testing. Allele origin: germline.
Comment: Variant summary: GLA c.281G>T (p.Cys94Phe) results in a non-conservative amino acid change in the encoded protein sequence. Five of five in-silico tools predict a damaging effect of the variant on protein function. The variant was absent in 22139 control chromosomes. The available data on variant occurrences in the general population are insufficient to allow any conclusion about variant significance. c.281G>T has been reported in the literature in cis with another upstream pathogenic variant (c.273_276del TGAT, p.I90MfsTer25) in multiple individuals from one Chinese family affected with Fabry Disease mimicking as familial episodic pain (Mao_2016). These data indicate that the variant in isolation may be associated with disease. Other amino acid changes at Cys 94, such as p.Cys94Arg, p.Cys94Ser and p.Cys94Tyr have been reported in patients with Fabry Disease (HGMD and Fabry Disease databases), indicating the functional relevance of this residue to overall function. At least one publication reports experimental evidence evaluating an impact of this variant in isolation on protein function. The most pronounced variant effect results in <1% of normal activity (Gaballa_2020). No clinical diagnostic laboratories have submitted clinical-significance assessments for this variant to ClinVar after 2014. Based on the evidence outlined above, the variant was classified as likely pathogenic.

Literature cited by the submitters: PubMed 32699723 (cited by 3 submitters); PubMed 27531472 (cited by Labcorp Genetics (formerly Invitae), Labcorp and Women's Health and Genetics/Laboratory Corporation of America, LabCorp); PubMed 21598360 (cited by Labcorp Genetics (formerly Invitae), Labcorp); PubMed 26415523 (cited by Labcorp Genetics (formerly Invitae), Labcorp); PubMed 31321922 (cited by Labcorp Genetics (formerly Invitae), Labcorp); PubMed 32793709 (cited by Women's Health and Genetics/Laboratory Corporation of America, LabCorp).